The following is an entry in ClinVar:

ClinVar aggregate classification (germline): Uncertain significance (1 of 4 stars; one submission).

gnomAD v4.1: 4 of 1,536,208 alleles (0.00026%); highest among the groups gnomAD compares: Non-Finnish European, 0.00035%; no homozygotes.

Submission:

Ambry Genetics
Classification: Uncertain significance. Last evaluated: 2025-08-07. Review status: criteria provided, single submitter. Criteria: Ambry Variant Classification Scheme 2023. Collection method: clinical testing. Allele origin: germline.
Comment: The p.P627A variant (also known as c.1879C>G), located in coding exon 11 of the PALLD gene, results from a C to G substitution at nucleotide position 1879. The proline at codon 627 is replaced by alanine, an amino acid with highly similar properties. This amino acid position is conserved. In addition, this alteration is predicted to be tolerated by in silico analysis. Based on the available evidence, the clinical significance of this variant remains unclear.

NM_001166108.2(PALLD):c.*65C>G

Genes: CBR4 (carbonyl reductase 4; minus strand), PALLD (palladin, cytoskeletal associated protein; plus strand). Cytogenetic location: 4q32.3.
Variant type: single nucleotide variant.
Coding change: c.*65C>G on transcript NM_001166108.2 (MANE Select); 65 bases downstream of the stop codon, C replaced by G.
Molecular consequence: 3 prime UTR variant. On other transcripts: missense variant (4).
Genome position (GRCh38, 1-based): chr4:168,926,245, C>G. VCF-style: chr4-168926245-C-G. GRCh37 (hg19) VCF-style: chr4-169847396-C-G.
Other names: c.2194C>G, p.Pro732Ala (NM_001166109.2); c.1879C>G, p.Pro627Ala (NM_001166110.2); c.*65C>G (NM_001367567.1, NM_001367570.1, NM_016081.4); c.1270C>G, p.Pro424Ala (NM_001367568.1); c.1219C>G, p.Pro407Ala (NM_001367569.1); short protein forms P407A, P424A, P627A, P732A.
Identifiers: ClinVar variation 4130430 (VCV004130430.1).
Genomic context (GRCh38, chr4:168,926,245, plus strand): 5'-AATCTTAATTTACTCTTTTTCTTTGTAGCCCAGTGGCATCAGCAGTCACAGAGCACCAAG[C>G]CAAAAAAAGTACGGCCCTCAGCCAGTCGCTATGCAGCACTTTCGGACCAGGGACTAGACA-3'